The following is an entry in ClinVar:

ClinVar aggregate classification (germline): Conflicting classifications of pathogenicity. Review status: criteria provided, conflicting classifications (1 of 4 stars). 4 submissions from 4 submitters: Uncertain significance (2); Likely benign (2). Last evaluated 2025-10-10.

Conditions:
Frontometaphyseal dysplasia (FMD1). Identifiers: Orphanet 1826, MedGen C0265293, MONDO:0015942.
Heterotopia, periventricular, X-linked dominant (PVNH1). Also called: X-linked periventricular heterotopia; PERIVENTRICULAR NODULAR HETEROTOPIA 4; HETEROTOPIA, PERIVENTRICULAR, 1; PERIVENTRICULAR NODULAR HETEROTOPIA 1. Identifiers: Orphanet 2149, Orphanet 82004, MedGen C1848213, MONDO:0010233, OMIM 300049.
Oto-palato-digital syndrome, type II (OPD2). Also called: Otopalatodigital Syndrome Type 2 (FLNA-OPD2); FACIOPALATOOSSEOUS SYNDROME; Otopalatodigital Syndrome, Type II; OPD II SYNDROME. Identifiers: Orphanet 669, Orphanet 90652, MedGen C1844696, MONDO:0010571, OMIM 304120.
Melnick-Needles syndrome (MNS). Also called: Melnick-Needles Syndrome (FLNA-MNS); MELNICK-NEEDLES OSTEODYSPLASTY; OSTEODYSPLASTY OF MELNICK AND NEEDLES. Identifiers: Orphanet 2484, MedGen C0025237, MONDO:0010650, OMIM 309350.
Intellectual disability. Also called: Intellectual developmental disorder; Intellectual functioning disability; intellectual disabilities. Identifiers: MedGen C3714756, MeSH D008607, MONDO:0001071, HP:0001249.
Familial thoracic aortic aneurysm and aortic dissection (TAAD). Also called: Thoracic aortic aneurysms and dissections. Identifiers: Orphanet 91387, MedGen C4707243, MONDO:0019625.

Allele frequency attached by ClinVar (database versions not stated): gnomAD 0.00001 and 0.00002; gnomAD exomes 0.00001; TOPMed 0.00001.
gnomAD v4.1: 17 of 1,211,495 alleles (0.0014%); highest among the groups gnomAD compares: Middle Eastern, 0.069%; no homozygotes.

Submissions (4):

Labcorp Genetics (formerly Invitae), Labcorp
Classification: Likely benign for Oto-palato-digital syndrome, type II; Heterotopia, periventricular, X-linked dominant; Frontometaphyseal dysplasia; Melnick-Needles syndrome. Last evaluated: 2025-10-10. Review status: criteria provided, single submitter. Criteria: Invitae Variant Classification Sherloc (09022015). Collection method: clinical testing. Allele origin: germline.

CeGaT Center for Human Genetics Tuebingen
Classification: Likely benign. Last evaluated: 2025-10-01. Review status: criteria provided, single submitter. Criteria: CeGaT Center For Human Genetics Tuebingen Variant Classification Criteria Version 2. Collection method: clinical testing. Allele origin: germline. Affected: yes. Observed: 1 variant allele.
Comment: FLNA: BS2

Cambridge Genomics Laboratory, East Genomic Laboratory Hub, NHS Genomic Medicine Service
Classification: Uncertain significance for Intellectual disability. Last evaluated: 2019-07-29. Review status: criteria provided, single submitter. Criteria: ACGS Best Practice Guidelines for Variant Classification in Rare Disease 2020. Collection method: clinical testing. Allele origin: germline. Affected: yes. Observed: 1 variant allele.

Ambry Genetics
Classification: Uncertain significance for Familial thoracic aortic aneurysm and aortic dissection. Last evaluated: 2017-09-06. Review status: criteria provided, single submitter. Criteria: Ambry Variant Classification Scheme 2023. Collection method: clinical testing. Allele origin: germline.
Comment: The p.S2518N variant (also known as c.7553G>A), located in coding exon 45 of the FLNA gene, results from a G to A substitution at nucleotide position 7553. The serine at codon 2518 is replaced by asparagine, an amino acid with highly similar properties. This amino acid position is highly conserved in available vertebrate species. In addition, this alteration is predicted to be tolerated by in silico analysis. Since supporting evidence is limited at this time, the clinical significance of this alteration remains unclear.

NM_001110556.2(FLNA):c.7577G>A (p.Ser2526Asn)

Genes: FLNA (filamin A; minus strand), LOC107988032 (Xq28 proximal FLNA-EMD recombination region; plus strand). Cytogenetic location: Xq28.
Variant type: single nucleotide variant.
Coding change: c.7577G>A on transcript NM_001110556.2 (MANE Select); coding-DNA position 7577, G replaced by A.
Protein change: p.Ser2526Asn; replaces serine 2526 with asparagine.
Molecular consequence: missense variant.
Genome position (GRCh38, 1-based): chrX:154,349,541, C>T on the plus strand (G>A on the coding strand, the complement: FLNA is on the minus strand). VCF-style: chrX-154349541-C-T. GRCh37 (hg19) VCF-style: chrX-153577909-C-T.
Other names: c.7553G>A, p.Ser2518Asn (NM_001456.4); short protein forms S2518N, S2526N.
Identifiers: ClinVar variation 519893 (VCV000519893.18), dbSNP rs1485769153, ClinGen allele CA415180992.
Genomic context (GRCh38, chrX:154,349,541, plus strand): 5'-TGGGGGGCACAGGTGGCCTTGGTCAGAGAGTCTACAAACACTGATGATGTCTCGTGGAGG[C>T]TGTGGTTGCTGACGAGACGGGGGCCTGCAAGGCAGAGTGGGTGGGGCTAAGAGGTGGCTG-3'
Protein context (NP_001104026.1, residues 2516-2536): VTGPRLVSNH[Ser2526Asn]LHETSSVFVD